The following is an entry in ClinVar:

NM_001372.4(DNAH9):c.12407G>A (p.Arg4136Gln)

Gene: DNAH9 (dynein axonemal heavy chain 9; plus strand). Cytogenetic location: 17p12.
Variant type: single nucleotide variant.
Coding change: c.12407G>A on transcript NM_001372.4 (MANE Select); coding-DNA position 12407, G replaced by A.
Protein change: p.Arg4136Gln; replaces arginine 4136 with glutamine.
Molecular consequence: missense variant.
Genome position (GRCh38, 1-based): chr17:11,933,989, G>A. VCF-style: chr17-11933989-G-A. GRCh37 (hg19) VCF-style: chr17-11837306-G-A.
Other names: c.1343G>A, p.Arg448Gln (NM_004662.2); c.12407G>A (NM_001372.3); short protein forms R4136Q, R448Q.
Identifiers: ClinVar variation 2234664 (VCV002234664.6), dbSNP rs143624582, ClinGen allele CA8398147.

ClinVar aggregate classification (germline): Uncertain significance. Review status: criteria provided, multiple submitters, no conflicts (2 of 4 stars). 2 submissions from 2 submitters: Uncertain significance (2). Last evaluated 2023-06-10.

Conditions:
Inborn genetic diseases. Identifiers: MedGen C0950123, MeSH D030342.

Allele frequency attached by ClinVar (database versions not stated): 1000 Genomes Project 30x 0.00016.
gnomAD v4.1: 37 of 1,614,104 alleles (0.0023%); highest among the groups gnomAD compares: Admixed American, 0.042%; no homozygotes.

Submissions (2):

Labcorp Genetics (formerly Invitae), Labcorp
Classification: Uncertain significance. Last evaluated: 2023-06-10. Review status: criteria provided, single submitter. Criteria: Invitae Variant Classification Sherloc (09022015). Collection method: clinical testing. Allele origin: germline.
Comment: In summary, the available evidence is currently insufficient to determine the role of this variant in disease. Therefore, it has been classified as a Variant of Uncertain Significance. Advanced modeling of protein sequence and biophysical properties (such as structural, functional, and spatial information, amino acid conservation, physicochemical variation, residue mobility, and thermodynamic stability) performed at Invitae indicates that this missense variant is not expected to disrupt DNAH9 protein function. ClinVar contains an entry for this variant (Variation ID: 2234664). This variant has not been reported in the literature in individuals affected with DNAH9-related conditions. This variant is present in population databases (rs143624582, gnomAD 0.05%). This sequence change replaces arginine, which is basic and polar, with glutamine, which is neutral and polar, at codon 4136 of the DNAH9 protein (p.Arg4136Gln).

Ambry Genetics
Classification: Uncertain significance for Inborn genetic diseases. Last evaluated: 2021-07-06. Review status: criteria provided, single submitter. Criteria: Ambry Variant Classification Scheme 2023. Collection method: clinical testing. Allele origin: germline.